The following is an entry in ClinVar:

NM_053039.2(UGT2B28):c.90C>T (p.Thr30=)

Gene: UGT2B28 (UDP glucuronosyltransferase family 2 member B28; plus strand). Cytogenetic location: 4q13.2.
Variant type: single nucleotide variant.
Coding change: c.90C>T on transcript NM_053039.2 (MANE Select); coding-DNA position 90, C replaced by T.
Protein change: p.Thr30=; no amino-acid change (threonine 30 retained).
Molecular consequence: synonymous variant.
Genome position (GRCh38, 1-based): chr4:69,280,590, C>T. VCF-style: chr4-69280590-C-T. GRCh37 (hg19) VCF-style: chr4-70146308-C-T.
Other names: c.90C>T, p.Thr30= (NM_001207004.2).
Identifiers: ClinVar variation 2654785 (VCV002654785.24), dbSNP rs150706540, ClinGen allele CA2945640.

ClinVar aggregate classification (germline): Likely benign (1 of 4 stars; one submission).

Allele frequency attached by ClinVar (database versions not stated): ExAC 0.00056; gnomAD 0.00065; 1000 Genomes Project 30x 0.00078; 1000 Genomes Project 0.00080; ESP Exome Variant Server 0.00151.

Submission:

CeGaT Center for Human Genetics Tuebingen
Classification: Likely benign. Last evaluated: 2022-04-01. Review status: criteria provided, single submitter. Criteria: CeGaT Center For Human Genetics Tuebingen Variant Classification Criteria Version 2. Collection method: clinical testing. Allele origin: germline. Affected: yes. Observed: 1 variant allele.
Comment: UGT2B28: BP4, BP7